The following is an entry in ClinVar:

ClinVar aggregate classification (germline): Likely benign (1 of 4 stars; one submission).

Allele frequency attached by ClinVar (database versions not stated): gnomAD 0.00001; TOPMed 0.00001; ExAC 0.00002; gnomAD exomes 0.00002.
gnomAD v4.1: 26 of 1,613,998 alleles (0.0016%); highest among the groups gnomAD compares: Non-Finnish European, 0.0021%; no homozygotes.

Submission:

CeGaT Center for Human Genetics Tuebingen
Classification: Likely benign. Last evaluated: 2023-11-01. Review status: criteria provided, single submitter. Criteria: CeGaT Center For Human Genetics Tuebingen Variant Classification Criteria Version 2. Collection method: clinical testing. Allele origin: germline. Affected: yes. Observed: 1 variant allele.
Comment: CPAP: BP4, BP7

NM_018451.5(CPAP):c.3564C>T (p.Ile1188=)

Genes: CPAP (centrosome assembly and centriole elongation protein; minus strand), RNF17 (ring finger protein 17; plus strand). Cytogenetic location: 13q12.12.
Variant type: single nucleotide variant.
Coding change: c.3564C>T on transcript NM_018451.5 (MANE Select); coding-DNA position 3564, C replaced by T.
Protein change: p.Ile1188=; no amino-acid change (isoleucine 1188 retained).
Molecular consequence: synonymous variant. On other transcripts: non-coding transcript variant (2).
Genome position (GRCh38, 1-based): chr13:24,884,377, G>A on the plus strand (C>T on the coding strand, the complement: CPAP is on the minus strand). VCF-style: chr13-24884377-G-A. GRCh37 (hg19) VCF-style: chr13-25458515-G-A.
Identifiers: ClinVar variation 2672535 (VCV002672535.23), dbSNP rs747581740, ClinGen allele CA6919234.